The following is an entry in ClinVar:

NM_001303052.2(MYT1L):c.3080+4073_3080+4105del

Gene: MYT1L (myelin transcription factor 1 like; minus strand). Cytogenetic location: 2p25.3.
Variant type: Deletion.
Coding change: c.3080+4073_3080+4105del on transcript NM_001303052.2 (MANE Select); bases 4073 to 4105 of the intron after coding-DNA position 3080, 33 bases deleted.
Molecular consequence: intron variant.
Genome position (GRCh38, 1-based): chr2:1,835,044-1,835,076, 33 bases deleted; deleting any 33 consecutive bases within chr2:1,835,044-1,835,108 gives the same sequence; the c. name uses the placement nearest the transcript's 3' end. GRCh37 (hg19): chr2:1,838,848-1,838,880.
Other names: c.3074+4073_3074+4105del (NM_015025.4, NM_001329847.2, NM_001329848.1 and 3 more transcripts); c.3080+4073_3080+4105del (NM_001329844.2, NM_001329845.1, NM_001329851.3).
Identifiers: ClinVar variation 2650616 (VCV002650616.24), dbSNP rs1558696979, ClinGen allele CA530409987.

ClinVar aggregate classification (germline): Benign (1 of 4 stars; one submission).

Submission:

CeGaT Center for Human Genetics Tuebingen
Classification: Benign. Last evaluated: 2023-10-01. Review status: criteria provided, single submitter. Criteria: CeGaT Center For Human Genetics Tuebingen Variant Classification Criteria Version 2. Collection method: clinical testing. Allele origin: germline. Affected: yes. Observed: 3 variant alleles.
Comment: MYT1L: BS1, BS2